The following is an entry in ClinVar:

ClinVar aggregate classification (germline): Uncertain significance (1 of 4 stars; one submission).

Submission:

GeneDx
Classification: Uncertain significance. Last evaluated: 2026-07-08. Review status: criteria provided, single submitter. Criteria: GeneDx Variant Classification Process June 2021. Collection method: clinical testing. Allele origin: germline.
Comment: Not observed at significant frequency in large population cohorts (gnomAD); In silico analysis supports that this missense variant has a deleterious effect on protein structure/function; Has not been previously published as pathogenic or benign to our knowledge

NM_002911.4(UPF1):c.1579G>A (p.Val527Met)

Gene: UPF1 (UPF1 RNA helicase and ATPase; plus strand). Cytogenetic location: 19p13.11.
Variant type: single nucleotide variant.
Coding change: c.1579G>A on transcript NM_002911.4 (MANE Select); coding-DNA position 1579, G replaced by A.
Protein change: p.Val527Met; replaces valine 527 with methionine.
Molecular consequence: missense variant.
Genome position (GRCh38, 1-based): chr19:18,855,959, G>A. VCF-style: chr19-18855959-G-A. GRCh37 (hg19) VCF-style: chr19-18966768-G-A.
Other names: c.1612G>A, p.Val538Met (NM_001297549.2); short protein forms V527M, V538M.
Identifiers: ClinVar variation 3906310 (VCV003906310.2).
Genomic context (GRCh38, chr19:18,855,959, plus strand): 5'-ACTGAGCTGCCCCAATGGTGTTGCAGGCCGGTGCTGGTGTGTGCTCCGAGCAACATCGCC[G>A]TGGACCAGCTAACGGAGAAGATCCACCAGACGGGGCTAAAGGTCGTGCGCCTCTGCGCCA-3'
Protein context (NP_002902.2, residues 517-537): VLVCAPSNIA[Val527Met]DQLTEKIHQT